The following is an entry in ClinVar:

ClinVar aggregate classification (germline): Uncertain significance (1 of 4 stars; one submission).

Submission:

GeneDx
Classification: Uncertain significance. Last evaluated: 2023-06-15. Review status: criteria provided, single submitter. Criteria: GeneDx Variant Classification Process June 2021. Collection method: clinical testing. Allele origin: germline. Affected: yes.
Comment: Nonsense variant predicted to result in protein truncation as the last 15 amino acids are lost in a gene for which loss-of-function is not an established mechanism of disease; Not observed at significant frequency in large population cohorts (gnomAD); Has not been previously published as pathogenic or benign to our knowledge; Variants in candidate genes are classified as variants of uncertain significance in accordance with ACMG guidelines (Richards et al., 2015)

NM_012141.3(INTS6):c.2617G>T (p.Glu873Ter)

Gene: INTS6 (integrator complex subunit 6; minus strand). Cytogenetic location: 13q14.3.
Variant type: single nucleotide variant.
Coding change: c.2617G>T on transcript NM_012141.3 (MANE Select); coding-DNA position 2617, G replaced by T.
Protein change: p.Glu873Ter; replaces glutamic acid 873 with a stop codon.
Molecular consequence: nonsense.
Genome position (GRCh38, 1-based): chr13:51,365,799, C>A on the plus strand (G>T on the coding strand, the complement: INTS6 is on the minus strand). VCF-style: chr13-51365799-C-A. GRCh37 (hg19) VCF-style: chr13-51939935-C-A.
Other names: c.2578G>T, p.Glu860Ter (NM_001039937.2); c.2083G>T, p.Glu695Ter (NM_001306091.2); short protein forms E695*, E860*, E873*.
Identifiers: ClinVar variation 4529715 (VCV004529715.1).
Genomic context (GRCh38, chr13:51,365,799, plus strand): 5'-ATTCTATTTTCTTTTAATTGCTATTAATATGGTTGATCTGATTGGCTCTTCGATGAATTT[C>A]ATCCAAGAAGTTCTCCAGTTGTTCTATTAGCATTCGTTTTTTAAACCTGTATGAAAAAAT-3'